The following is an entry in ClinVar:

ClinVar aggregate classification (germline): Pathogenic (0 of 4 stars; one submission).

Conditions:
Polycystic kidney disease. Also called: Polycystic kidney dysplasia; Kidney, Polycystic. Identifiers: MedGen C0022680, MeSH D007690, MONDO:0020642, HP:0000113.

Submission:

Department of Pathology and Laboratory Medicine, Sinai Health System
Classification: Pathogenic for Polycystic Kidney disease. Review status: no assertion criteria provided. Collection method: clinical testing. Allele origin: unknown. Affected: yes. Observed: 1 variant allele. Study: The Canadian Open Genetics Repository (COGR).
Comment: The PKD2 p.Thr663Hisfs*11 variant was not identified in the literature nor was it identified in the dbSNP, ClinVar, COGR, LOVD 3.0, ADPKD Mutation Database, PKD1-LOVD, the Exome Aggregation Consortium (August 8th 2016) or the Genome Aggregation Database (Feb 27, 2017). The p.Thr663Hisfs*11 variant is predicted to cause a frameshift, which alters the protein amino acid sequence beginning at codon 663 and leads to a premature stop codon at position 673. This alteration is then predicted to result in a truncated or absent protein and loss of function. Loss of function variants of the PKD2 gene are an established mechanism of disease in ADPKD and is the type of variant expected to cause the disorder. In summary, based on the above information, this variant meets our laboratoryâ€šÃ„Ã´s criteria to be classified as pathogenic.

NM_000297.4(PKD2):c.1986del (p.Thr663fs)

Gene: PKD2 (polycystin 2, transient receptor potential cation channel; plus strand). Cytogenetic location: 4q22.1.
Variant type: Deletion.
Coding change: c.1986del on transcript NM_000297.4 (MANE Select); coding-DNA position 1986, one base deleted (T; older notation c.1986delT).
Protein change: p.Thr663fs; shifts the reading frame from threonine 663.
Molecular consequence: frameshift variant.
Genome position (GRCh38, 1-based): chr4:88,058,070, T deleted. VCF-style (leftmost placement, unchanged base first): chr4-88058069-CT-C. GRCh37 (hg19) VCF-style: chr4-88979221-CT-C.
Other names: short protein forms T663fs.
Identifiers: ClinVar variation 997340 (VCV000997340.1), dbSNP rs1720430411, ClinGen allele CA1474584723.